The following is an entry in ClinVar:

NC_000021.8:g.(?_46875445)_(46897899_?)dup

Gene: COL18A1 (collagen type XVIII alpha 1 chain; plus strand). Cytogenetic location: 21q22.3.
Variant type: Duplication.
Identifiers: ClinVar variation 2427190 (VCV002427190.4).

ClinVar aggregate classification (germline): Likely pathogenic (1 of 4 stars; one submission).

Submission:

Labcorp Genetics (formerly Invitae), Labcorp
Classification: Likely pathogenic. Last evaluated: 2022-10-10. Review status: criteria provided, single submitter. Criteria: Invitae Variant Classification Sherloc (09022015). Collection method: clinical testing. Allele origin: germline.
Comment: In summary, the currently available evidence indicates that the variant is pathogenic, but additional data are needed to prove that conclusively. Therefore, this variant has been classified as Likely Pathogenic. This variant has not been reported in the literature in individuals affected with COL18A1-related conditions. This variant results in a copy number gain of the genomic region encompassing exon(s) 3-8 of the COL18A1 gene. While the exact position of this variant cannot be determined from the data, sub-genic copy number gains are generally in tandem (PMID: 25640679). This variant is predicted to be out-of-frame, and may result in an absent or disrupted protein product. Loss-of-function variants in COL18A1 are known to be pathogenic (PMID: 12415512, 25456301).

Literature cited by the submitters: PubMed 25640679; PubMed 12415512; PubMed 25456301.